The following is an entry in ClinVar:

NM_013444.4(UBQLN2):c.1060G>C (p.Val354Leu)

Gene: UBQLN2 (ubiquilin 2; plus strand). Cytogenetic location: Xp11.21.
Variant type: single nucleotide variant.
Coding change: c.1060G>C on transcript NM_013444.4 (MANE Select); coding-DNA position 1060, G replaced by C.
Protein change: p.Val354Leu; replaces valine 354 with leucine.
Molecular consequence: missense variant.
Genome position (GRCh38, 1-based): chrX:56,564,933, G>C. VCF-style: chrX-56564933-G-C. GRCh37 (hg19) VCF-style: chrX-56591366-G-C.
Other names: short protein forms V354L.
Identifiers: ClinVar variation 1923563 (VCV001923563.6), dbSNP rs748840115, ClinGen allele CA10430121.
Genomic context (GRCh38, chrX:56,564,933, plus strand): 5'-ACGACCACAAGCACTGGTAGTGGGTCTGGCAATAGTTCCAGCAATGCTACTGGGAACACC[G>C]TTGCTGCCGCTAATTATGTCGCCAGCATCTTTAGTACCCCAGGCATGCAGAGCCTGCTGC-3'
Protein context (NP_038472.2, residues 344-364): NSSSNATGNT[Val354Leu]AAANYVASIF

ClinVar aggregate classification (germline): Uncertain significance. Review status: criteria provided, single submitter (1 of 4 stars). 2 submissions from 2 submitters: Uncertain significance (1). 1 of the submissions does not count toward it. Last evaluated 2022-09-23.

Conditions:
UBQLN2-related disorder. Also called: UBQLN2-related condition.
Amyotrophic lateral sclerosis type 15. Also called: AMYOTROPHIC LATERAL SCLEROSIS 15 WITH FRONTOTEMPORAL DEMENTIA. Identifiers: Orphanet 803, MedGen C3275459, MONDO:0010459, OMIM 300857.

Allele frequency attached by ClinVar (database versions not stated): gnomAD 0.00001; ExAC 0.00002.
gnomAD v4.1: 3 of 1,209,212 alleles (0.00025%); highest among the groups gnomAD compares: African/African-American, 0.0018%; no homozygotes.

Submissions (2):

Labcorp Genetics (formerly Invitae), Labcorp
Classification: Uncertain significance for Amyotrophic lateral sclerosis type 15. Last evaluated: 2022-09-23. Review status: criteria provided, single submitter. Criteria: Invitae Variant Classification Sherloc (09022015). Collection method: clinical testing. Allele origin: germline.
Comment: In summary, the available evidence is currently insufficient to determine the role of this variant in disease. Therefore, it has been classified as a Variant of Uncertain Significance. Advanced modeling of protein sequence and biophysical properties (such as structural, functional, and spatial information, amino acid conservation, physicochemical variation, residue mobility, and thermodynamic stability) performed at Invitae indicates that this missense variant is not expected to disrupt UBQLN2 protein function. This variant has not been reported in the literature in individuals affected with UBQLN2-related conditions. This variant is present in population databases (rs748840115, gnomAD 0.003%), including at least one homozygous and/or hemizygous individual. This sequence change replaces valine, which is neutral and non-polar, with leucine, which is neutral and non-polar, at codon 354 of the UBQLN2 protein (p.Val354Leu).

PreventionGenetics, part of Exact Sciences
Classification: Uncertain significance for UBQLN2-related condition. Last evaluated: 2024-02-21. Review status: no assertion criteria provided. Collection method: clinical testing. Allele origin: germline. Not counted in ClinVar's aggregate classification.
Comment: The UBQLN2 c.1060G>C variant is predicted to result in the amino acid substitution p.Val354Leu. To our knowledge, this variant has not been reported in the literature. This variant is reported in 0.0025% of alleles in individuals of European (Non-Finnish) descent in gnomAD. At this time, the clinical significance of this variant is uncertain due to the absence of conclusive functional and genetic evidence.